The following is an entry in ClinVar:

NM_014718.4(CLSTN3):c.2730+19C>T

Gene: CLSTN3 (calsyntenin 3; plus strand). Cytogenetic location: 12p13.31.
Variant type: single nucleotide variant.
Coding change: c.2730+19C>T on transcript NM_014718.4 (MANE Select); 19 bases into the intron after coding-DNA position 2730, C replaced by T.
Molecular consequence: intron variant.
Genome position (GRCh38, 1-based): chr12:7,157,710, C>T. VCF-style: chr12-7157710-C-T. GRCh37 (hg19) VCF-style: chr12-7310306-C-T.
Other names: NC_000012.11:g.7310306C>T.
Identifiers: ClinVar variation 2642667 (VCV002642667.25), dbSNP rs117949904, ClinGen allele CA6425909.

ClinVar aggregate classification (germline): Benign (1 of 4 stars; one submission).

Allele frequency attached by ClinVar (database versions not stated): 1000 Genomes Project 0.00379; 1000 Genomes Project 30x 0.00390; gnomAD 0.00829; TOPMed 0.00855; ExAC 0.00858; ESP Exome Variant Server 0.01036.
gnomAD v4.1: 18,984 of 1,556,724 alleles (1.2%); highest among the groups gnomAD compares: Non-Finnish European, 1.5%; 126 homozygotes.

Submissions (18):

CeGaT Center for Human Genetics Tuebingen
Classification: Benign. Last evaluated: 2023-05-01. Review status: criteria provided, single submitter. Criteria: CeGaT Center For Human Genetics Tuebingen Variant Classification Criteria Version 2. Collection method: clinical testing. Allele origin: germline. Affected: yes. Observed: 1 variant allele.
Comment: CLSTN3: BS1, BS2

Dr. Peter K. Rogan Lab, Western University
No classification provided (evidence only). Condition: Lung cancer. Review status: no classification provided. Collection method: in vitro. Allele origin: not applicable. Functional consequence: retained intron. Not counted in ClinVar's aggregate classification.

Dr. Peter K. Rogan Lab, Western University
No classification provided (evidence only). Condition: Acute myeloid leukemia. Review status: no classification provided. Collection method: in vitro. Allele origin: not applicable. Functional consequence: skipped exon, retained intron. Not counted in ClinVar's aggregate classification.

Dr. Peter K. Rogan Lab, Western University
No classification provided (evidence only). Condition: Thyroid cancer, nonmedullary, 1. Review status: no classification provided. Collection method: in vitro. Allele origin: not applicable. Functional consequence: retained intron. Not counted in ClinVar's aggregate classification.

Dr. Peter K. Rogan Lab, Western University
No classification provided (evidence only). Condition: Uterine corpus endometrial carcinoma. Review status: no classification provided. Collection method: in vitro. Allele origin: not applicable. Functional consequence: retained intron. Not counted in ClinVar's aggregate classification.

Dr. Peter K. Rogan Lab, Western University
No classification provided (evidence only). Condition: Uterine corpus endometrial carcinoma. Review status: no classification provided. Collection method: in vitro. Allele origin: not applicable. Functional consequence: retained intron. Not counted in ClinVar's aggregate classification.

Dr. Peter K. Rogan Lab, Western University
No classification provided (evidence only). Condition: Uterine corpus endometrial carcinoma. Review status: no classification provided. Collection method: in vitro. Allele origin: not applicable. Functional consequence: skipped exon, retained intron. Not counted in ClinVar's aggregate classification.

Dr. Peter K. Rogan Lab, Western University
No classification provided (evidence only). Condition: Sarcoma. Review status: no classification provided. Collection method: in vitro. Allele origin: not applicable. Functional consequence: retained intron. Not counted in ClinVar's aggregate classification.

Dr. Peter K. Rogan Lab, Western University
No classification provided (evidence only). Condition: Sarcoma. Review status: no classification provided. Collection method: in vitro. Allele origin: not applicable. Functional consequence: skipped exon. Not counted in ClinVar's aggregate classification.

Dr. Peter K. Rogan Lab, Western University
No classification provided (evidence only). Condition: Thymoma. Review status: no classification provided. Collection method: in vitro. Allele origin: not applicable. Functional consequence: retained intron. Not counted in ClinVar's aggregate classification.

Dr. Peter K. Rogan Lab, Western University
No classification provided (evidence only). Condition: Cholangiocarcinoma. Review status: no classification provided. Collection method: in vitro. Allele origin: not applicable. Functional consequence: retained intron. Not counted in ClinVar's aggregate classification.

Dr. Peter K. Rogan Lab, Western University
No classification provided (evidence only). Condition: Ovarian serous cystadenocarcinoma. Review status: no classification provided. Collection method: in vitro. Allele origin: not applicable. Functional consequence: retained intron. Not counted in ClinVar's aggregate classification.

Dr. Peter K. Rogan Lab, Western University
No classification provided (evidence only). Condition: Ovarian serous cystadenocarcinoma. Review status: no classification provided. Collection method: in vitro. Allele origin: not applicable. Functional consequence: retained intron. Not counted in ClinVar's aggregate classification.

Dr. Peter K. Rogan Lab, Western University
No classification provided (evidence only). Condition: Ovarian serous cystadenocarcinoma. Review status: no classification provided. Collection method: in vitro. Allele origin: not applicable. Functional consequence: retained intron. Not counted in ClinVar's aggregate classification.

Dr. Peter K. Rogan Lab, Western University
No classification provided (evidence only). Condition: Ovarian serous cystadenocarcinoma. Review status: no classification provided. Collection method: in vitro. Allele origin: not applicable. Functional consequence: retained intron. Not counted in ClinVar's aggregate classification.

Dr. Peter K. Rogan Lab, Western University
No classification provided (evidence only). Condition: Ovarian serous cystadenocarcinoma. Review status: no classification provided. Collection method: in vitro. Allele origin: not applicable. Functional consequence: retained intron. Not counted in ClinVar's aggregate classification.

Dr. Peter K. Rogan Lab, Western University
No classification provided (evidence only). Condition: Malignant tumor of esophagus. Review status: no classification provided. Collection method: in vitro. Allele origin: not applicable. Functional consequence: retained intron. Not counted in ClinVar's aggregate classification.

Dr. Peter K. Rogan Lab, Western University
No classification provided (evidence only). Condition: Malignant tumor of esophagus. Review status: no classification provided. Collection method: in vitro. Allele origin: not applicable. Functional consequence: skipped exon, retained intron. Not counted in ClinVar's aggregate classification.